The following is an entry in ClinVar:

NM_000987.5(RPL26):c.388A>G (p.Lys130Glu)

Gene: RPL26 (ribosomal protein L26; minus strand). Cytogenetic location: 17p13.1.
Variant type: single nucleotide variant.
Coding change: c.388A>G on transcript NM_000987.5 (MANE Select); coding-DNA position 388, A replaced by G.
Protein change: p.Lys130Glu; replaces lysine 130 with glutamic acid.
Molecular consequence: missense variant.
Genome position (GRCh38, 1-based): chr17:8,377,614, T>C on the plus strand (A>G on the coding strand, the complement: RPL26 is on the minus strand). VCF-style: chr17-8377614-T-C. GRCh37 (hg19) VCF-style: chr17-8280932-T-C.
Other names: c.388A>G, p.Lys130Glu (NM_001315530.2, NM_001315531.2); short protein forms K130E.
Identifiers: ClinVar variation 2730413 (VCV002730413.3), dbSNP rs150329538, ClinGen allele CA8376053.

ClinVar aggregate classification (germline): Uncertain significance (1 of 4 stars; one submission).

Conditions:
Diamond-Blackfan anemia. Also called: Blackfan Diamond syndrome; Aregenerative anemia chronic congenital; Red cell aplasia, pure hereditary; Congenital hypoplastic anemia; Aase syndrome. Identifiers: Orphanet 124, MedGen C1260899, MeSH D029503, MONDO:0015253, HP:0004810.

Allele frequency attached by ClinVar (database versions not stated): gnomAD exomes below 0.00001; gnomAD 0.00001; ExAC 0.00002; TOPMed 0.00002; ESP Exome Variant Server 0.00008; 1000 Genomes Project 30x 0.00016; 1000 Genomes Project 0.00020.
gnomAD v4.1: 5 of 1,607,670 alleles (0.00031%); highest among the groups gnomAD compares: African/African-American, 0.0027%; no homozygotes.

Submission:

Labcorp Genetics (formerly Invitae), Labcorp
Classification: Uncertain significance for Diamond-Blackfan anemia. Last evaluated: 2023-04-15. Review status: criteria provided, single submitter. Criteria: Invitae Variant Classification Sherloc (09022015). Collection method: clinical testing. Allele origin: germline.
Comment: In summary, the available evidence is currently insufficient to determine the role of this variant in disease. Therefore, it has been classified as a Variant of Uncertain Significance. An algorithm developed to predict the effect of missense changes on protein structure and function (PolyPhen-2) suggests that this variant is likely to be tolerated. This variant has not been reported in the literature in individuals affected with RPL26-related conditions. This variant is present in population databases (rs150329538, gnomAD 0.007%). This sequence change replaces lysine, which is basic and polar, with glutamic acid, which is acidic and polar, at codon 130 of the RPL26 protein (p.Lys130Glu).